The following is an entry in ClinVar:

NM_000051.4(ATM):c.1801A>G (p.Ser601Gly)

Gene: ATM (ATM serine/threonine kinase; plus strand). Cytogenetic location: 11q22.3.
Variant type: single nucleotide variant.
Coding change: c.1801A>G on transcript NM_000051.4 (MANE Select); coding-DNA position 1801, A replaced by G.
Protein change: p.Ser601Gly; replaces serine 601 with glycine.
Molecular consequence: missense variant.
Genome position (GRCh38, 1-based): chr11:108,252,030, A>G. VCF-style: chr11-108252030-A-G. GRCh37 (hg19) VCF-style: chr11-108122757-A-G.
Other names: c.1801A>G, p.Ser601Gly (NM_001351834.2); short protein forms S601G.
Identifiers: ClinVar variation 820103 (VCV000820103.14), dbSNP rs1591528484, ClinGen allele CA382535596.

ClinVar aggregate classification (germline): Uncertain significance. Review status: criteria provided, multiple submitters, no conflicts (2 of 4 stars). 3 submissions from 3 submitters: Uncertain significance (2). 1 of the submissions does not count toward it. Last evaluated 2024-05-02.

Conditions:
Hereditary cancer-predisposing syndrome. Also called: Hereditary Cancer Syndrome; Neoplastic Syndromes, Hereditary; Hereditary neoplastic syndrome; Tumor predisposition. Identifiers: Orphanet 140162, MedGen C0027672, MeSH D009386, MONDO:0015356.
Ataxia-telangiectasia syndrome (AT). Also called: Cerebello-oculocutaneous telangiectasia; Immunodeficiency with ataxia telangiectasia; Ataxia-telangiectasia, complementation group E; Ataxia-telangiectasia, complementation group D; AT, COMPLEMENTATION GROUP C; ATAXIA-TELANGIECTASIA, COMPLEMENTATION GROUP A. Identifiers: Orphanet 100, MedGen C0004135, MONDO:0008840, OMIM 208900.

Allele frequency attached by ClinVar (database versions not stated): gnomAD exomes below 0.00001.
gnomAD v4.1: 1 of 1,611,008 alleles (0.000062%); highest among the groups gnomAD compares: South Asian, 0.0011%; no homozygotes.

Submissions (3):

Labcorp Genetics (formerly Invitae), Labcorp
Classification: Uncertain significance for Ataxia-telangiectasia syndrome. Last evaluated: 2024-05-02. Review status: criteria provided, single submitter. Criteria: Invitae Variant Classification Sherloc (09022015). Collection method: clinical testing. Allele origin: germline.
Comment: This sequence change replaces serine, which is neutral and polar, with glycine, which is neutral and non-polar, at codon 601 of the ATM protein (p.Ser601Gly). This variant is not present in population databases (gnomAD no frequency). This variant has not been reported in the literature in individuals affected with ATM-related conditions. ClinVar contains an entry for this variant (Variation ID: 820103). An algorithm developed to predict the effect of missense changes on protein structure and function (PolyPhen-2) suggests that this variant is likely to be disruptive. RNA analysis performed to evaluate the impact of this missense change on mRNA splicing indicates it does not significantly alter splicing (Invitae). In summary, the available evidence is currently insufficient to determine the role of this variant in disease. Therefore, it has been classified as a Variant of Uncertain Significance.

Ambry Genetics
Classification: Uncertain significance for Hereditary cancer-predisposing syndrome. Last evaluated: 2024-04-25. Review status: criteria provided, single submitter. Criteria: Ambry Variant Classification Scheme 2023. Collection method: clinical testing. Allele origin: germline.
Comment: The p.S601G variant (also known as c.1801A>G), located in coding exon 10 of the ATM gene, results from an A to G substitution at nucleotide position 1801. The serine at codon 601 is replaced by glycine, an amino acid with similar properties. This amino acid position is well conserved in available vertebrate species. In addition, this alteration is predicted to be tolerated by in silico analysis. Based on the available evidence, the clinical significance of this variant remains unclear.

Natera, Inc.
Classification: Uncertain significance for Ataxia-telangiectasia. Last evaluated: 2020-02-21. Review status: no assertion criteria provided. Collection method: clinical testing. Allele origin: germline. Not counted in ClinVar's aggregate classification.